The following is an entry in ClinVar:

NM_020987.5(ANK3):c.3896C>T (p.Thr1299Met)

Gene: ANK3 (ankyrin 3; minus strand). Cytogenetic location: 10q21.2.
Variant type: single nucleotide variant.
Coding change: c.3896C>T on transcript NM_020987.5 (MANE Select); coding-DNA position 3896, C replaced by T.
Protein change: p.Thr1299Met; replaces threonine 1299 with methionine.
Molecular consequence: missense variant.
Genome position (GRCh38, 1-based): chr10:60,084,780, G>A on the plus strand (C>T on the coding strand, the complement: ANK3 is on the minus strand). VCF-style: chr10-60084780-G-A. GRCh37 (hg19) VCF-style: chr10-61844538-G-A.
Other names: c.1298C>T, p.Thr433Met (NM_001149.4); c.3878C>T, p.Thr1293Met (NM_001204403.2); c.3899C>T, p.Thr1300Met (NM_001204404.2); c.3896C>T, p.Thr1299Met (NM_001320874.2); c.3896C>T (NM_020987.3); short protein forms T433M, T1293M, T1300M, T1299M.
Identifiers: ClinVar variation 1930789 (VCV001930789.6), dbSNP rs138099761, ClinGen allele CA5512374.

ClinVar aggregate classification (germline): Uncertain significance. Review status: criteria provided, multiple submitters, no conflicts (2 of 4 stars). 2 submissions from 2 submitters: Uncertain significance (2). Last evaluated 2025-06-26.

Conditions:
Inborn genetic diseases. Identifiers: MedGen C0950123, MeSH D030342.

Allele frequency attached by ClinVar (database versions not stated): ExAC 0.00002; gnomAD exomes 0.00002; TOPMed 0.00003; gnomAD 0.00004; ESP Exome Variant Server 0.00023.
gnomAD v4.1: 31 of 1,591,154 alleles (0.0019%); highest among the groups gnomAD compares: South Asian, 0.0046%; no homozygotes.

Submissions (2):

Ambry Genetics
Classification: Uncertain significance for Inborn genetic diseases. Last evaluated: 2025-06-26. Review status: criteria provided, single submitter. Criteria: Ambry Variant Classification Scheme 2023. Collection method: clinical testing. Allele origin: germline.

Labcorp Genetics (formerly Invitae), Labcorp
Classification: Uncertain significance. Last evaluated: 2022-07-11. Review status: criteria provided, single submitter. Criteria: Invitae Variant Classification Sherloc (09022015). Collection method: clinical testing. Allele origin: germline.
Comment: In summary, the available evidence is currently insufficient to determine the role of this variant in disease. Therefore, it has been classified as a Variant of Uncertain Significance. Algorithms developed to predict the effect of missense changes on protein structure and function are either unavailable or do not agree on the potential impact of this missense change (SIFT: "Not Available"; PolyPhen-2: "Possibly Damaging"; Align-GVGD: "Not Available"). This variant has not been reported in the literature in individuals affected with ANK3-related conditions. This variant is present in population databases (rs138099761, gnomAD 0.008%). This sequence change replaces threonine, which is neutral and polar, with methionine, which is neutral and non-polar, at codon 1299 of the ANK3 protein (p.Thr1299Met).